The following is an entry in ClinVar:

NM_001039141.3(TRIOBP):c.6513C>T (p.Ser2171=)

Gene: TRIOBP (TRIO and F-actin binding protein; plus strand). Cytogenetic location: 22q13.1.
Variant type: single nucleotide variant.
Coding change: c.6513C>T on transcript NM_001039141.3 (MANE Select); coding-DNA position 6513, C replaced by T.
Protein change: p.Ser2171=; no amino-acid change (serine 2171 retained).
Molecular consequence: synonymous variant.
Genome position (GRCh38, 1-based): chr22:37,768,114, C>T. VCF-style: chr22-37768114-C-T. GRCh37 (hg19) VCF-style: chr22-38164121-C-T.
Other names: c.1374C>T, p.Ser458= (NM_007032.5).
Identifiers: ClinVar variation 668641 (VCV000668641.1), dbSNP rs932406836, ClinGen allele CA324169126.

ClinVar aggregate classification (germline): Likely benign (1 of 4 stars; one submission).

Allele frequency attached by ClinVar (database versions not stated): TOPMed below 0.00001; gnomAD exomes 0.00001 and 0.00002.
gnomAD v4.1: 29 of 1,613,564 alleles (0.0018%); highest among the groups gnomAD compares: Non-Finnish European, 0.0024%; no homozygotes.

Submission:

GeneDx
Classification: Likely benign. Last evaluated: 2018-06-04. Review status: criteria provided, single submitter. Criteria: GeneDx Variant Classification (06012015). Collection method: clinical testing. Allele origin: germline. Affected: yes.
Comment: This variant is considered likely benign or benign based on one or more of the following criteria: it is a conservative change, it occurs at a poorly conserved position in the protein, it is predicted to be benign by multiple in silico algorithms, and/or has population frequency not consistent with disease.